The following is an entry in ClinVar:

NM_001396959.1(TBC1D1):c.164C>T (p.Thr55Ile)

Gene: TBC1D1 (TBC1 domain family member 1; plus strand). Cytogenetic location: 4p14.
Variant type: single nucleotide variant.
Coding change: c.164C>T on transcript NM_001396959.1 (MANE Select); coding-DNA position 164, C replaced by T.
Protein change: p.Thr55Ile; replaces threonine 55 with isoleucine.
Molecular consequence: missense variant.
Genome position (GRCh38, 1-based): chr4:37,902,259, C>T. VCF-style: chr4-37902259-C-T. GRCh37 (hg19) VCF-style: chr4-37903880-C-T.
Other names: c.164C>T, p.Thr55Ile (NM_001253912.2, NM_015173.4); short protein forms T55I.
Identifiers: ClinVar variation 3046866 (VCV003046866.2), dbSNP rs4008480, ClinGen allele CA2887216.
Genomic context (GRCh38, chr4:37,902,259, plus strand): 5'-CCACCATGCCCATGCTGCCCTGGGTTGTGGCTGAGGTGCGAAGACTCAGCAGGCAGTCCA[C>T]CAGAAAGGAACCTGTAACCAAGCAAGTCCGGCTTTGCGTTTCACCCTCTGGACTGAGATG-3'
Protein context (NP_001383888.1, residues 45-65): AEVRRLSRQS[Thr55Ile]RKEPVTKQVR

ClinVar aggregate classification (germline): Likely benign (0 of 4 stars; one submission).

Conditions:
TBC1D1-related disorder. Also called: TBC1D1-related condition.

Allele frequency attached by ClinVar (database versions not stated): gnomAD exomes 0.00013; ExAC 0.00049; ESP Exome Variant Server 0.00131; 1000 Genomes Project 0.00140; gnomAD 0.00149; 1000 Genomes Project 30x 0.00156; TOPMed 0.00165.
gnomAD v4.1: 427 of 1,613,994 alleles (0.026%); highest among the groups gnomAD compares: African/African-American, 0.5%; 1 homozygote.

Submission:

PreventionGenetics, part of Exact Sciences
Classification: Likely benign for TBC1D1-related condition. Last evaluated: 2020-06-11. Review status: no assertion criteria provided. Collection method: clinical testing. Allele origin: germline.
Comment: This variant is classified as likely benign based on ACMG/AMP sequence variant interpretation guidelines (Richards et al. 2015 PMID: 25741868, with internal and published modifications).